The following is an entry in ClinVar:

NM_000350.3(ABCA4):c.3413T>A (p.Leu1138His)

Gene: ABCA4 (ATP binding cassette subfamily A member 4; minus strand). Cytogenetic location: 1p22.1.
Variant type: single nucleotide variant.
Coding change: c.3413T>A on transcript NM_000350.3 (MANE Select); coding-DNA position 3413, T replaced by A.
Protein change: p.Leu1138His; replaces leucine 1138 with histidine.
Molecular consequence: missense variant.
Genome position (GRCh38, 1-based): chr1:94,041,318, A>T on the plus strand (T>A on the coding strand, the complement: ABCA4 is on the minus strand). VCF-style: chr1-94041318-A-T. GRCh37 (hg19) VCF-style: chr1-94506874-A-T.
Other names: c.3191T>A, p.Leu1064His (NM_001425324.1); short protein forms L1138H, L1064H.
Identifiers: ClinVar variation 986929 (VCV000986929.6), dbSNP rs1287053724, ClinGen allele CA341290946.

ClinVar aggregate classification (germline): Pathogenic/Likely pathogenic. Review status: criteria provided, multiple submitters, no conflicts (2 of 4 stars). 4 submissions from 4 submitters: Pathogenic (2); Likely pathogenic (2). Last evaluated 2025-09-22.

Conditions:
Retinal dystrophy. Also called: Inherited retinal dystrophy. Identifiers: Orphanet 71862, MedGen C0854723, MeSH D058499, MONDO:0019118, HP:0000556.
ABCA4-related disorder. Also called: ABCA4-related condition; ABCA4-related disorders. Identifiers: MedGen CN239167.

gnomAD v4.1: 2 of 1,614,068 alleles (0.00012%); highest among the groups gnomAD compares: Non-Finnish European, 0.00017%; no homozygotes.

Submissions (4):

Labcorp Genetics (formerly Invitae), Labcorp
Classification: Pathogenic. Last evaluated: 2025-09-22. Review status: criteria provided, single submitter. Criteria: Invitae Variant Classification Sherloc (09022015). Collection method: clinical testing. Allele origin: germline.
Comment: This sequence change replaces leucine, which is neutral and non-polar, with histidine, which is basic and polar, at codon 1138 of the ABCA4 protein (p.Leu1138His). This variant is not present in population databases (gnomAD no frequency). This missense change has been observed in individual(s) with Stargardt disease (PMID: 29848554). In at least one individual the data is consistent with being in trans (on the opposite chromosome) from a pathogenic variant. ClinVar contains an entry for this variant (Variation ID: 986929). Invitae Evidence Modeling of protein sequence and biophysical properties (such as structural, functional, and spatial information, amino acid conservation, physicochemical variation, residue mobility, and thermodynamic stability) indicates that this missense variant is expected to disrupt ABCA4 protein function with a positive predictive value of 95%. This variant disrupts the p.Leu1138 amino acid residue in ABCA4. Other variant(s) that disrupt this residue have been determined to be pathogenic (internal data). This suggests that this residue is clinically significant, and that variants that disrupt this residue are likely to be disease-causing. For these reasons, this variant has been classified as Pathogenic.

Institute of Human Genetics, Univ. Regensburg, Univ. Regensburg
Classification: Likely pathogenic for Retinal dystrophy. Last evaluated: 2023-01-01. Review status: criteria provided, single submitter. Criteria: ACMG Guidelines, 2015. Collection method: clinical testing. Allele origin: germline. Affected: yes.

Blueprint Genetics
Classification: Pathogenic for ABCA4-related disorders. Last evaluated: 2022-05-23. Review status: criteria provided, single submitter. Criteria: ACMG Guidelines, 2015. Collection method: clinical testing. Allele origin: germline. Affected: yes. Observed: 2 variant alleles.

Institute of Medical Genetics and Applied Genomics, University Hospital Tübingen
Classification: Likely pathogenic. Last evaluated: 2020-10-23. Review status: criteria provided, single submitter. Criteria: ACMG Guidelines, 2015. Collection method: clinical testing. Allele origin: germline. Inheritance: Autosomal recessive inheritance. Affected: yes.

Literature cited by the submitters: PubMed 29848554 (cited by Labcorp Genetics (formerly Invitae), Labcorp and Institute of Human Genetics, Univ. Regensburg, Univ. Regensburg).